The following is an entry in ClinVar:

NM_015466.4(PTPN23):c.3062G>A (p.Gly1021Asp)

Gene: PTPN23 (protein tyrosine phosphatase non-receptor type 23; plus strand). Cytogenetic location: 3p21.31.
Variant type: single nucleotide variant.
Coding change: c.3062G>A on transcript NM_015466.4 (MANE Select); coding-DNA position 3062, G replaced by A.
Protein change: p.Gly1021Asp; replaces glycine 1021 with aspartic acid.
Molecular consequence: missense variant.
Genome position (GRCh38, 1-based): chr3:47,410,860, G>A. VCF-style: chr3-47410860-G-A. GRCh37 (hg19) VCF-style: chr3-47452350-G-A.
Other names: c.2684G>A, p.Gly895Asp (NM_001304482.2); short protein forms G1021D, G895D.
Identifiers: ClinVar variation 1409761 (VCV001409761.6), dbSNP rs1422446786, ClinGen allele CA352561073.
Genomic context (GRCh38, chr3:47,410,860, plus strand): 5'-CCCCTCAGCCTGGGGTCCTGGGGCAGCCGCCACCCCCCCTACACACCCAGCTCTACCCAG[G>A]TCCCGCTCAAGACCCTCTGCCAGCCCACTCAGGGGCTCTGCCTTTCCCCAGCCCTGGGCC-3'
Protein context (NP_056281.1, residues 1011-1031): PPPLHTQLYP[Gly1021Asp]PAQDPLPAHS

ClinVar aggregate classification (germline): Uncertain significance (1 of 4 stars; one submission).

Allele frequency attached by ClinVar (database versions not stated): gnomAD exomes below 0.00001.
gnomAD v4.1: 1 of 1,606,900 alleles (0.000062%); highest among the groups gnomAD compares: Non-Finnish European, 0.000085%; no homozygotes.

Submission:

Labcorp Genetics (formerly Invitae), Labcorp
Classification: Uncertain significance. Last evaluated: 2022-06-14. Review status: criteria provided, single submitter. Criteria: Invitae Variant Classification Sherloc (09022015). Collection method: clinical testing. Allele origin: germline.
Comment: In summary, the available evidence is currently insufficient to determine the role of this variant in disease. Therefore, it has been classified as a Variant of Uncertain Significance. Algorithms developed to predict the effect of missense changes on protein structure and function are either unavailable or do not agree on the potential impact of this missense change (SIFT: "Tolerated"; PolyPhen-2: "Possibly Damaging"; Align-GVGD: "Class C0"). This variant has not been reported in the literature in individuals affected with PTPN23-related conditions. This variant is not present in population databases (gnomAD no frequency). This sequence change replaces glycine, which is neutral and non-polar, with aspartic acid, which is acidic and polar, at codon 1021 of the PTPN23 protein (p.Gly1021Asp).